The following is an entry in ClinVar:

ClinVar aggregate classification (germline): Uncertain significance. Review status: criteria provided, multiple submitters, no conflicts (2 of 4 stars). 5 submissions from 5 submitters: Uncertain significance (5). Last evaluated 2026-04-14.

Conditions:
Cardiovascular phenotype. Identifiers: MedGen CN230736.
Cardiomyopathy (CMYO). Also called: Cardiomyopathies. Identifiers: Orphanet 167848, MedGen C0878544, MONDO:0004994, HP:0001638. Inheritance: Various modes of inheritance.
Hypertrophic cardiomyopathy. Also called: HYPERTROPHIC MYOCARDIOPATHY. Identifiers: Orphanet 217569, MedGen C0007194, MeSH D002312, MONDO:0005045, HP:0001639.
Lethal congenital glycogen storage disease of heart. Also called: PHOSPHORYLASE KINASE DEFICIENCY OF HEART; GLYCOGEN STORAGE DISEASE OF HEART. Identifiers: Orphanet 439854, MedGen C1849813, MONDO:0009867, OMIM 261740.

gnomAD v4.1: 10 of 1,613,952 alleles (0.00062%); highest among the groups gnomAD compares: Non-Finnish European, 0.00085%; no homozygotes.

Submissions (5):

GeneDx
Classification: Uncertain significance. Last evaluated: 2026-04-14. Review status: criteria provided, single submitter. Criteria: GeneDx Variant Classification Process June 2021. Collection method: clinical testing. Allele origin: germline.
Comment: Not observed at significant frequency in large population cohorts (gnomAD); In silico analysis suggests that this missense variant does not alter protein structure/function; Has not been previously published as pathogenic or benign to our knowledge

Color Diagnostics, LLC DBA Color Health
Classification: Uncertain significance for Cardiomyopathy. Last evaluated: 2025-06-24. Review status: criteria provided, single submitter. Criteria: ACMG Guidelines, 2015. Collection method: clinical testing. Allele origin: germline.
Comment: This missense variant replaces proline with arginine at codon 114 of the PRKAG2 protein. Computational prediction is inconclusive regarding the impact of this variant on protein structure and function. To our knowledge, functional studies have not been reported for this variant. This variant has not been reported in individuals affected with PRKAG2-related disorders in the literature. This variant has been identified in 2/251186 chromosomes in the general population by the Genome Aggregation Database (gnomAD). The available evidence is insufficient to determine the role of this variant in disease conclusively. Therefore, this variant is classified as a Variant of Uncertain Significance.

Labcorp Genetics (formerly Invitae), Labcorp
Classification: Uncertain significance for Lethal congenital glycogen storage disease of heart. Last evaluated: 2024-04-04. Review status: criteria provided, single submitter. Criteria: Invitae Variant Classification Sherloc (09022015). Collection method: clinical testing. Allele origin: germline.
Comment: This sequence change replaces proline, which is neutral and non-polar, with arginine, which is basic and polar, at codon 114 of the PRKAG2 protein (p.Pro114Arg). This variant is present in population databases (rs375174733, gnomAD 0.002%). This variant has not been reported in the literature in individuals affected with PRKAG2-related conditions. ClinVar contains an entry for this variant (Variation ID: 928350). Advanced modeling of protein sequence and biophysical properties (such as structural, functional, and spatial information, amino acid conservation, physicochemical variation, residue mobility, and thermodynamic stability) performed at Invitae indicates that this missense variant is not expected to disrupt PRKAG2 protein function with a negative predictive value of 95%. In summary, the available evidence is currently insufficient to determine the role of this variant in disease. Therefore, it has been classified as a Variant of Uncertain Significance.

All of Us Research Program, National Institutes of Health
Classification: Uncertain significance for Hypertrophic cardiomyopathy. Last evaluated: 2023-04-03. Review status: criteria provided, single submitter. Criteria: ACMG Guidelines, 2015. Collection method: clinical testing. Allele origin: germline. Inheritance: Autosomal dominant inheritance. Observed: 1 variant allele, 1 heterozygote.
Comment: This missense variant replaces proline with arginine at codon 114 of the PRKAG2 protein. Computational prediction tool is inconclusive regarding the impact of this variant on protein structure and function (internally defined REVEL score threshold 0.5 < inconclusive < 0.7, PMID: 27666373). Splice site prediction tools suggest that this variant may not impact RNA splicing. To our knowledge, functional studies have not been performed for this variant. This variant has not been reported in individuals affected with cardiovascular disorders in the literature. This variant has been identified in 2/251186 chromosomes in the general population by the Genome Aggregation Database (gnomAD). The available evidence is insufficient to determine the role of this variant in disease conclusively. Therefore, this variant is classified as a Variant of Uncertain Significance.

This study involves interpretation of variants in research participants for the purpose of population health screening. Participant phenotype was not available at the time of variant classification. Additional details can be found in publication PMID: 35346344, PMCID: PMC8962531

Ambry Genetics
Classification: Uncertain significance for Cardiovascular phenotype. Last evaluated: 2020-10-14. Review status: criteria provided, single submitter. Criteria: Ambry Variant Classification Scheme 2023. Collection method: clinical testing. Allele origin: germline.
Comment: The p.P114R variant (also known as c.341C>G), located in coding exon 3 of the PRKAG2 gene, results from a C to G substitution at nucleotide position 341. The proline at codon 114 is replaced by arginine, an amino acid with dissimilar properties. This amino acid position is well conserved in available vertebrate species. In addition, this alteration is predicted to be deleterious by in silico analysis. Since supporting evidence is limited at this time, the clinical significance of this alteration remains unclear.

NM_016203.4(PRKAG2):c.341C>G (p.Pro114Arg)

Gene: PRKAG2 (protein kinase AMP-activated non-catalytic subunit gamma 2; minus strand). Cytogenetic location: 7q36.1.
Variant type: single nucleotide variant.
Coding change: c.341C>G on transcript NM_016203.4 (MANE Select); coding-DNA position 341, C replaced by G.
Protein change: p.Pro114Arg; replaces proline 114 with arginine.
Molecular consequence: missense variant.
Genome position (GRCh38, 1-based): chr7:151,781,277, G>C on the plus strand (C>G on the coding strand, the complement: PRKAG2 is on the minus strand). VCF-style: chr7-151781277-G-C. GRCh37 (hg19) VCF-style: chr7-151478363-G-C.
Other names: c.341C>G (NM_016203.3); c.209C>G, p.Pro70Arg (NM_001040633.2); short protein forms P70R, P114R.
Identifiers: ClinVar variation 928350 (VCV000928350.19), dbSNP rs375174733, ClinGen allele CA056808.